The following is an entry in ClinVar:

NM_130839.5(UBE3A):c.2555A>G (p.Lys852Arg)

Genes: SNHG14 (small nucleolar RNA host gene 14; plus strand), UBE3A (ubiquitin protein ligase E3A; minus strand). Cytogenetic location: 15q11.2.
Variant type: single nucleotide variant.
Coding change: c.2555A>G on transcript NM_130839.5 (MANE Select); coding-DNA position 2555, A replaced by G.
Protein change: p.Lys852Arg; replaces lysine 852 with arginine.
Molecular consequence: missense variant. On other transcripts: non-coding transcript variant (1).
Genome position (GRCh38, 1-based): chr15:25,339,201, T>C on the plus strand (A>G on the coding strand, the complement: UBE3A is on the minus strand). VCF-style: chr15-25339201-T-C. GRCh37 (hg19) VCF-style: chr15-25584348-T-C.
Other names: c.2564A>G, p.Lys855Arg (NM_000462.5); c.2555A>G, p.Lys852Arg (NM_001354505.1, NM_001354538.2); c.2495A>G, p.Lys832Arg (NM_001354506.2, NM_001354507.2, NM_001354508.2 and 14 more transcripts); c.1304A>G, p.Lys435Arg (NM_001354550.2); c.1244A>G, p.Lys415Arg (NM_001354551.2); c.2399A>G, p.Lys800Arg (NM_001354545.2); c.2378A>G, p.Lys793Arg (NM_001354546.2); c.2339A>G, p.Lys780Arg (NM_001354547.2, NM_001354548.2); and 1 more; short protein forms K415R, K800R, K435R, K793R, K832R, K852R, K855R, K777R.
Identifiers: ClinVar variation 2248980 (VCV002248980.3), dbSNP rs1468530372, ClinGen allele CA391350612.
Genomic context (GRCh38, chr15:25,339,201, plus strand): 5'-AGCATGCCAAATCCTTTGGCATACGTGATGGCCTTCAACAATCTCTCTTTAAGTTTTTCT[T>C]TGCTTGAGTATTCCGGAAGTAAAAGCACATTAAAGCAAGTATGAGATGTAGGTAACCTAA-3'
Protein context (NP_570854.1, residues 842-862): NVLLLPEYSS[Lys852Arg]EKLKERLLKA

ClinVar aggregate classification (germline): Uncertain significance. Review status: criteria provided, multiple submitters, no conflicts (2 of 4 stars). 2 submissions from 2 submitters: Uncertain significance (2). Last evaluated 2022-12-19.

Conditions:
Inborn genetic diseases. Identifiers: MedGen C0950123, MeSH D030342.

Submissions (2):

GeneDx
Classification: Uncertain significance. Last evaluated: 2022-12-19. Review status: criteria provided, single submitter. Criteria: GeneDx Variant Classification Process June 2021. Collection method: clinical testing. Allele origin: germline. Affected: yes.
Comment: Not observed at significant frequency in large population cohorts (gnomAD); In silico analysis supports that this missense variant does not alter protein structure/function; Has not been previously published as pathogenic or benign to our knowledge

Ambry Genetics
Classification: Uncertain significance for Inborn genetic diseases. Last evaluated: 2021-09-09. Review status: criteria provided, single submitter. Criteria: Ambry Variant Classification Scheme 2023. Collection method: clinical testing. Allele origin: germline.